The following is an entry in ClinVar:

NM_000051.4(ATM):c.2549A>G (p.Glu850Gly)

Gene: ATM (ATM serine/threonine kinase; plus strand). Cytogenetic location: 11q22.3.
Variant type: single nucleotide variant.
Coding change: c.2549A>G on transcript NM_000051.4 (MANE Select); coding-DNA position 2549, A replaced by G.
Protein change: p.Glu850Gly; replaces glutamic acid 850 with glycine.
Molecular consequence: missense variant.
Genome position (GRCh38, 1-based): chr11:108,267,253, A>G. VCF-style: chr11-108267253-A-G. GRCh37 (hg19) VCF-style: chr11-108137980-A-G.
Other names: c.2549A>G, p.Glu850Gly (NM_001351834.2); short protein forms E850G.
Identifiers: ClinVar variation 233516 (VCV000233516.16), dbSNP rs876660456, ClinGen allele CA10579060.
Genomic context (GRCh38, chr11:108,267,253, plus strand): 5'-TTGACCGTGGAGAAGTAGAATCAATGGAAGATGATACTAATGGAAATCTAATGGAGGTGG[A>G]GGATCAGTCATCCATGAATCTATTTAACGATTACCCTGATAGTAGTGTTAGTGATGCAAA-3'
Protein context (NP_000042.3, residues 840-860): DDTNGNLMEV[Glu850Gly]DQSSMNLFND

ClinVar aggregate classification (germline): Uncertain significance. Review status: criteria provided, multiple submitters, no conflicts (2 of 4 stars). 2 submissions from 2 submitters: Uncertain significance (2). Last evaluated 2025-04-20.

Conditions:
Hereditary cancer-predisposing syndrome. Also called: Tumor predisposition; Hereditary Cancer Syndrome; Hereditary neoplastic syndrome; Neoplastic Syndromes, Hereditary. Identifiers: Orphanet 140162, MedGen C0027672, MeSH D009386, MONDO:0015356.
Ataxia-telangiectasia syndrome (AT). Also called: Ataxia telangiectasia (A-T); LOUIS-BAR SYNDROME; Cerebello-oculocutaneous telangiectasia; Immunodeficiency with ataxia telangiectasia; ATAXIA-TELANGIECTASIA, COMPLEMENTATION GROUP A; ATAXIA-TELANGIECTASIA, FRESNO VARIANT. Identifiers: Orphanet 100, MedGen C0004135, MONDO:0008840, OMIM 208900.

Submissions (2):

Labcorp Genetics (formerly Invitae), Labcorp
Classification: Uncertain significance for Ataxia-telangiectasia syndrome. Last evaluated: 2025-04-20. Review status: criteria provided, single submitter. Criteria: Invitae Variant Classification Sherloc (09022015). Collection method: clinical testing. Allele origin: germline.
Comment: This sequence change replaces glutamic acid, which is acidic and polar, with glycine, which is neutral and non-polar, at codon 850 of the ATM protein (p.Glu850Gly). This variant is not present in population databases (gnomAD no frequency). This variant has not been reported in the literature in individuals affected with ATM-related conditions. ClinVar contains an entry for this variant (Variation ID: 233516). Invitae Evidence Modeling of protein sequence and biophysical properties (such as structural, functional, and spatial information, amino acid conservation, physicochemical variation, residue mobility, and thermodynamic stability) indicates that this missense variant is not expected to disrupt ATM protein function with a negative predictive value of 95%. In summary, the available evidence is currently insufficient to determine the role of this variant in disease. Therefore, it has been classified as a Variant of Uncertain Significance.

Ambry Genetics
Classification: Uncertain significance for Hereditary cancer-predisposing syndrome. Last evaluated: 2024-08-05. Review status: criteria provided, single submitter. Criteria: Ambry Variant Classification Scheme 2023. Collection method: clinical testing. Allele origin: germline.
Comment: The p.E850G variant (also known as c.2549A>G), located in coding exon 16 of the ATM gene, results from an A to G substitution at nucleotide position 2549. The glutamic acid at codon 850 is replaced by glycine, an amino acid with similar properties. This amino acid position is not well conserved in available vertebrate species. In addition, this alteration is predicted to be tolerated by in silico analysis. Based on the available evidence, the clinical significance of this variant remains unclear.